The following is an entry in ClinVar:

NM_025114.4(CEP290):c.7423A>C (p.Asn2475His)

Genes: CEP290 (centrosomal protein 290; minus strand), RLIG1 (RNA 5'-phosphate and 3'-OH ligase 1; plus strand). Cytogenetic location: 12q21.32.
Variant type: single nucleotide variant.
Coding change: c.7423A>C on transcript NM_025114.4 (MANE Select); coding-DNA position 7423, A replaced by C.
Protein change: p.Asn2475His; replaces asparagine 2475 with histidine.
Molecular consequence: missense variant. On other transcripts: 3 prime UTR variant (1).
Genome position (GRCh38, 1-based): chr12:88,049,201, T>G on the plus strand (A>C on the coding strand, the complement: CEP290 is on the minus strand). VCF-style: chr12-88049201-T-G. GRCh37 (hg19) VCF-style: chr12-88442978-T-G.
Other names: c.*779T>G (NM_001009894.3); short protein forms N2475H.
Identifiers: ClinVar variation 3351171 (VCV003351171.1).

ClinVar aggregate classification (germline): Uncertain significance (0 of 4 stars; one submission).

Conditions:
CEP290-related disorder. Also called: CEP290-related condition; CEP290-related disorders. Identifiers: MedGen CN239314.

gnomAD v4.1: 1 of 1,593,148 alleles (0.000063%); highest among the groups gnomAD compares: Non-Finnish European, 0.000085%; no homozygotes.

Submission:

PreventionGenetics, part of Exact Sciences
Classification: Uncertain significance for CEP290-related condition. Last evaluated: 2024-08-14. Review status: no assertion criteria provided. Collection method: clinical testing. Allele origin: germline.
Comment: The CEP290 c.7423A>C variant is predicted to result in the amino acid substitution p.Asn2475His. To our knowledge, this variant has not been reported in the literature or in a large population database, indicating this variant is rare. At this time, the clinical significance of this variant is uncertain due to the absence of conclusive functional and genetic evidence.